The following is an entry in ClinVar:

ClinVar aggregate classification (germline): Likely pathogenic (1 of 4 stars; one submission).

Conditions:
Rhabdoid tumor predisposition syndrome 2 (RTPS2). Identifiers: Orphanet 231108, Orphanet 69077, MedGen C2750074, MONDO:0013224, OMIM 613325.

Submission:

Labcorp Genetics (formerly Invitae), Labcorp
Classification: Likely pathogenic for Rhabdoid tumor predisposition syndrome 2. Last evaluated: 2016-06-21. Review status: criteria provided, single submitter. Criteria: Invitae Variant Classification Sherloc (09022015). Collection method: clinical testing. Allele origin: germline.
Comment: In summary, donor and acceptor splice site variants are typically truncating (PMID: 16199547), and truncating variants in SMARCA4 are known to be pathogenic (PMID: 24658001, 24658002). However, without additional functional and/or genetic data, this variant has been classified as Likely Pathogenic. This variant is not present in population databases (ExAC no frequency) and has not been reported in the literature in individuals with a SMARCA4-related disease. This sequence change affects an acceptor splice site in intron 19 of the SMARCA4 gene. It is expected to disrupt mRNA splicing and likely results in an absent or disrupted protein product.

Literature cited by the submitters: PubMed 16199547; PubMed 24658001; PubMed 24658002.

NM_003072.5(SMARCA4):c.2860-1G>A

Gene: SMARCA4 (SWI/SNF related BAF chromatin remodeling complex subunit ATPase 4; plus strand). Cytogenetic location: 19p13.2.
Variant type: single nucleotide variant.
Coding change: c.2860-1G>A on transcript NM_003072.5 (MANE Select); the canonical splice acceptor site of the intron before coding-DNA position 2860, G replaced by A.
Molecular consequence: splice acceptor variant.
Genome position (GRCh38, 1-based): chr19:11,023,517, G>A. VCF-style: chr19-11023517-G-A. GRCh37 (hg19) VCF-style: chr19-11134193-G-A.
Other names: c.2860-1G>A (NM_001128844.3, NM_001128849.3, NM_001128847.4 and 6 more transcripts).
Identifiers: ClinVar variation 408702 (VCV000408702.7), dbSNP rs1060502102, ClinGen allele CA16616145.